The following is an entry in ClinVar:

ClinVar aggregate classification (germline): Uncertain significance (1 of 4 stars; one submission).

Submission:

Labcorp Genetics (formerly Invitae), Labcorp
Classification: Uncertain significance. Last evaluated: 2024-03-07. Review status: criteria provided, single submitter. Criteria: Invitae Variant Classification Sherloc (09022015). Collection method: clinical testing. Allele origin: germline.
Comment: This sequence change replaces threonine, which is neutral and polar, with arginine, which is basic and polar, at codon 1462 of the TRPM1 protein (p.Thr1462Arg). This variant is not present in population databases (gnomAD no frequency). This variant has not been reported in the literature in individuals affected with TRPM1-related conditions. Algorithms developed to predict the effect of missense changes on protein structure and function output the following: SIFT: "Not Available"; PolyPhen-2: "Benign"; Align-GVGD: "Not Available". The arginine amino acid residue is found in multiple mammalian species, which suggests that this missense change does not adversely affect protein function. In summary, the available evidence is currently insufficient to determine the role of this variant in disease. Therefore, it has been classified as a Variant of Uncertain Significance.

NM_001252024.2(TRPM1):c.4451C>G (p.Thr1484Arg)

Gene: TRPM1 (transient receptor potential cation channel subfamily M member 1; minus strand). Cytogenetic location: 15q13.3.
Variant type: single nucleotide variant.
Coding change: c.4451C>G on transcript NM_001252024.2 (MANE Select); coding-DNA position 4451, C replaced by G.
Protein change: p.Thr1484Arg; replaces threonine 1484 with arginine.
Molecular consequence: missense variant.
Genome position (GRCh38, 1-based): chr15:31,002,249, G>C on the plus strand (C>G on the coding strand, the complement: TRPM1 is on the minus strand). VCF-style: chr15-31002249-G-C. GRCh37 (hg19) VCF-style: chr15-31294452-G-C.
Other names: c.4502C>G, p.Thr1501Arg (NM_001252020.2); c.4385C>G, p.Thr1462Arg (NM_002420.6); short protein forms T1501R, T1462R, T1484R.
Identifiers: ClinVar variation 3643161 (VCV003643161.1).